The following is an entry in ClinVar:

ClinVar aggregate classification (germline): Conflicting classifications of pathogenicity. Review status: criteria provided, conflicting classifications (1 of 4 stars). 8 submissions from 8 submitters: Uncertain significance (7); Likely benign (1). Last evaluated 2026-07-01.

Conditions:
Fanconi anemia (FA). Also called: Fanconi's anemia. Identifiers: Orphanet 84, MedGen C0015625, MeSH D005199, MONDO:0019391.
Fanconi anemia complementation group P. Also called: SLX4-Related Fanconi Anemia. Identifiers: Orphanet 84, MedGen C3469542, MONDO:0013499, OMIM 613951.

Allele frequency attached by ClinVar (database versions not stated): gnomAD 0.00014 and 0.00015; gnomAD exomes 0.00014 and 0.00023; ExAC 0.00016; 1000 Genomes Project 0.00020; ESP Exome Variant Server 0.00023; TOPMed 0.00028; 1000 Genomes Project 30x 0.00031.
gnomAD v4.1: 231 of 1,614,170 alleles (0.014%); highest among the groups gnomAD compares: Admixed American, 0.068%; no homozygotes.

Submissions (8):

CeGaT Center for Human Genetics Tuebingen
Classification: Likely benign. Last evaluated: 2026-07-01. Review status: criteria provided, single submitter. Criteria: CeGaT Center For Human Genetics Tuebingen Variant Classification Criteria Version 2. Collection method: clinical testing. Allele origin: germline. Affected: yes. Observed: 2 variant alleles.
Comment: SLX4: BP4

Blueprint Genetics
Classification: Uncertain significance. Last evaluated: 2024-09-25. Review status: criteria provided, single submitter. Criteria: ACMG Guidelines, 2015. Collection method: clinical testing. Allele origin: germline.

Fulgent Genetics
Classification: Uncertain significance for Fanconi anemia complementation group P. Last evaluated: 2024-06-03. Review status: criteria provided, single submitter. Criteria: ACMG Guidelines, 2015. Collection method: clinical testing. Allele origin: germline.

Women's Health and Genetics/Laboratory Corporation of America, LabCorp
Classification: Uncertain significance. Last evaluated: 2022-11-03. Review status: criteria provided, single submitter. Criteria: LabCorp Variant Classification Summary - May 2015. Collection method: clinical testing. Allele origin: germline.
Comment: Variant summary: BTBD12 (also known as SLX4) c.832C>T (p.Arg278Trp) results in a non-conservative amino acid change in the encoded protein sequence. Three of five in-silico tools predict a damaging effect of the variant on protein function. The variant allele was found at a frequency of 0.00021 in 282844 control chromosomes, predominantly at a frequency of 0.00085 within the Latino subpopulation in the gnomAD database. c.832C>T has been reported in the literature in individuals affected with breast/ovarian cancer and with renal cancer (e.g. de Garibay_2013, Bonache_2018, Lee_2018, Rizzolo_2019). These reports do not provide unequivocal conclusions about association of the variant with Fanconi Anemia. To our knowledge, no experimental evidence demonstrating an impact on protein function has been reported. Three ClinVar submitters (evaluation after 2014) cite the variant as uncertain significance. Based on the evidence outlined above, the variant was classified as uncertain significance.

Labcorp Genetics (formerly Invitae), Labcorp
Classification: Uncertain significance for Fanconi anemia. Last evaluated: 2022-10-19. Review status: criteria provided, single submitter. Criteria: Invitae Variant Classification Sherloc (09022015). Collection method: clinical testing. Allele origin: germline.
Comment: This sequence change replaces arginine, which is basic and polar, with tryptophan, which is neutral and slightly polar, at codon 278 of the SLX4 protein (p.Arg278Trp). This variant is present in population databases (rs141597706, gnomAD 0.08%). This missense change has been observed in individual(s) with cancer (PMID: 23211700, 30306255, 30613976). ClinVar contains an entry for this variant (Variation ID: 456338). Algorithms developed to predict the effect of missense changes on protein structure and function are either unavailable or do not agree on the potential impact of this missense change (SIFT: "Deleterious"; PolyPhen-2: "Possibly Damaging"; Align-GVGD: "Class C0"). In summary, the available evidence is currently insufficient to determine the role of this variant in disease. Therefore, it has been classified as a Variant of Uncertain Significance.

Sema4
Classification: Uncertain significance for Fanconi anemia. Last evaluated: 2021-12-17. Review status: criteria provided, single submitter. Criteria: Sema4 Curation Guidelines. Collection method: curation. Allele origin: germline.
Comment: The SLX4 c.832C>T (p.Arg278Trp) variant has been reported in heterozygosity in at least 3 individuals with breast/ovarian and renal cancer (PMID: 23211700, 30613976, 29607586). It was observed in 30/35438 chromosomes of the Latino (AMR) subpopulation, in the large and broad cohorts of the Genome Aggregation Database (PMID: 32461654). This variant has been reported in ClinVar (Variation ID 456338). Functional studies have not been performed, and in silico predictions of the variant's effect on protein function are inconclusive. There is no indication that this variant causes disease, but the evidence is insufficient currently to prove that conclusively. Thus, the clinical significance of this variant is currently uncertain.

Institute for Clinical Genetics, University Hospital TU Dresden, University Hospital TU Dresden
Classification: Uncertain significance. Last evaluated: 2021-11-03. Review status: criteria provided, single submitter. Criteria: ACMG Guidelines, 2015. Collection method: clinical testing. Allele origin: germline.

Revvity Omics, Revvity
Classification: Uncertain significance for Fanconi anemia complementation group P. Last evaluated: 2019-11-18. Review status: criteria provided, single submitter. Criteria: ACMG Guidelines, 2015. Collection method: clinical testing. Allele origin: germline.

Literature cited by the submitters: PubMed 30306255 (cited by Women's Health and Genetics/Laboratory Corporation of America, LabCorp and Labcorp Genetics (formerly Invitae), Labcorp); PubMed 30613976 (cited by 3 submitters); PubMed 29607586 (cited by Women's Health and Genetics/Laboratory Corporation of America, LabCorp and Sema4); PubMed 23211700 (cited by 3 submitters).

NM_032444.4(SLX4):c.832C>T (p.Arg278Trp)

Gene: SLX4 (SLX4 structure-specific endonuclease subunit; minus strand). Cytogenetic location: 16p13.3.
Variant type: single nucleotide variant.
Coding change: c.832C>T on transcript NM_032444.4 (MANE Select); coding-DNA position 832, C replaced by T.
Protein change: p.Arg278Trp; replaces arginine 278 with tryptophan.
Molecular consequence: missense variant.
Genome position (GRCh38, 1-based): chr16:3,602,236, G>A on the plus strand (C>T on the coding strand, the complement: SLX4 is on the minus strand). VCF-style: chr16-3602236-G-A. GRCh37 (hg19) VCF-style: chr16-3652237-G-A.
Other names: c.832C>T (LRG_503t1); short protein forms R278W.
Identifiers: ClinVar variation 456338 (VCV000456338.39), dbSNP rs141597706, ClinGen allele CA7866729.